The following is an entry in ClinVar:

ClinVar aggregate classification (germline): Uncertain significance (1 of 4 stars; one submission).

Conditions:
Deficiency of adenosine deaminase 2. Also called: Polyarteritis nodosa, childhoood-onset; Adenosine Deaminase 2 Deficiency; VASCULITIS, AUTOINFLAMMATION, IMMUNODEFICIENCY, AND HEMATOLOGIC DEFECTS SYNDROME. Identifiers: Orphanet 404553, MedGen C3887654, MONDO:0014306, OMIM 615688, MONDO:0100317.

Submission:

Labcorp Genetics (formerly Invitae), Labcorp
Classification: Uncertain significance for Deficiency of adenosine deaminase 2. Last evaluated: 2020-10-19. Review status: criteria provided, single submitter. Criteria: Invitae Variant Classification Sherloc (09022015). Collection method: clinical testing. Allele origin: germline.
Comment: This variant results in a copy number gain of the genomic region encompassing exon(s) 2-4 of the ADA2 gene. This region includes the initiator codon of the gene. The 5' end of this event is unknown as it extends beyond the assayed region for this gene and therefore may encompass additional genes. The 3' boundary is likely confined to intron 4 of the ADA2 gene. As the precise location of this event is unknown, it may be in tandem or it may be located elsewhere in the genome. This variant has not been reported in the literature in individuals with ADA2-related conditions. In summary, the available evidence is currently insufficient to determine the role of this variant in disease. Therefore, it has been classified as a Variant of Uncertain Significance.

NC_000022.10:g.(?_17680419)_(17690587_?)dup

Gene: ADA2 (adenosine deaminase 2; minus strand). Cytogenetic location: 22q11.1.
Variant type: Duplication.
Identifiers: ClinVar variation 1062486 (VCV001062486.1).